The following is an entry in ClinVar:

ClinVar aggregate classification (germline): Benign/Likely benign. Review status: criteria provided, multiple submitters, no conflicts (2 of 4 stars). 3 submissions from 3 submitters: Benign (1); Likely benign (2). Last evaluated 2025-06-08.

Conditions:
FG syndrome (FGS). Identifiers: MedGen C0220769, MONDO:0002010.

Allele frequency attached by ClinVar (database versions not stated): TOPMed 0.00002; gnomAD exomes 0.00003; ExAC 0.00004; gnomAD 0.00004.
gnomAD v4.1: 43 of 1,208,527 alleles (0.0036%); highest among the groups gnomAD compares: Middle Eastern, 0.072%; no homozygotes.

Submissions (3):

Labcorp Genetics (formerly Invitae), Labcorp
Classification: Benign for FG syndrome. Last evaluated: 2025-06-08. Review status: criteria provided, single submitter. Criteria: Invitae Variant Classification Sherloc (09022015). Collection method: clinical testing. Allele origin: germline.

Blueprint Genetics
Classification: Likely benign. Last evaluated: 2024-06-07. Review status: criteria provided, single submitter. Criteria: ACMG Guidelines, 2015. Collection method: clinical testing. Allele origin: germline.

GeneDx
Classification: Likely benign. Last evaluated: 2018-03-09. Review status: criteria provided, single submitter. Criteria: GeneDx Variant Classification (06012015). Collection method: clinical testing. Allele origin: germline. Affected: yes.
Comment: This variant is considered likely benign or benign based on one or more of the following criteria: it is a conservative change, it occurs at a poorly conserved position in the protein, it is predicted to be benign by multiple in silico algorithms, and/or has population frequency not consistent with disease.

NM_005120.3(MED12):c.4863+15C>T

Gene: MED12 (mediator complex subunit 12; plus strand). Cytogenetic location: Xq13.1.
Variant type: single nucleotide variant.
Coding change: c.4863+15C>T on transcript NM_005120.3 (MANE Select); 15 bases into the intron after coding-DNA position 4863, C replaced by T.
Molecular consequence: intron variant.
Genome position (GRCh38, 1-based): chrX:71,134,863, C>T. VCF-style: chrX-71134863-C-T. GRCh37 (hg19) VCF-style: chrX-70354713-C-T.
Identifiers: ClinVar variation 515951 (VCV000515951.10), dbSNP rs778076528, ClinGen allele CA10444709.